The following is an entry in ClinVar:

NM_025114.4(CEP290):c.4513C>T (p.Leu1505=)

Gene: CEP290 (centrosomal protein 290; minus strand). Cytogenetic location: 12q21.32.
Variant type: single nucleotide variant.
Coding change: c.4513C>T on transcript NM_025114.4 (MANE Select); coding-DNA position 4513, C replaced by T.
Protein change: p.Leu1505=; no amino-acid change (leucine 1505 retained).
Molecular consequence: synonymous variant.
Genome position (GRCh38, 1-based): chr12:88,084,777, G>A on the plus strand (C>T on the coding strand, the complement: CEP290 is on the minus strand). VCF-style: chr12-88084777-G-A. GRCh37 (hg19) VCF-style: chr12-88478554-G-A.
Other names: c.4513C>T (NM_025114.3).
Identifiers: ClinVar variation 1108323 (VCV001108323.10), dbSNP rs1481340734, ClinGen allele CA481076644.
Genomic context (GRCh38, chr12:88,084,777, plus strand): 5'-TTCTGCCTAGCTCAGCTATGAGCTTTTCTCTTTCTGCAGTGGCAGGCAATCGAAGCCTCA[G>A]TTCATTGATTACTTTGTCTCTTGACAGTATATTTTGTTCTGCTAACCTTAAAGCAGATTC-3'
Protein context (NP_079390.3, residues 1495-1515): ILSRDKVINE[Leu1505=]RLRLPATAER

ClinVar aggregate classification (germline): Likely benign. Review status: criteria provided, single submitter (1 of 4 stars). 2 submissions from 2 submitters: Likely benign (1). 1 of the submissions does not count toward it. Last evaluated 2019-05-20.

Conditions:
Joubert syndrome. Also called: CEREBELLOPARENCHYMAL DISORDER IV; JOUBERT-BOLTSHAUSER SYNDROME; Familial aplasia of the vermis. Identifiers: Orphanet 475, MedGen C5979921, MONDO:0018772.
Nephronophthisis. Also called: Juvenile Nephronophthisis. Identifiers: Orphanet 655, MedGen C0687120, MONDO:0019005, HP:0000090.
Meckel-Gruber syndrome. Also called: DYSENCEPHALIA SPLANCHNOCYSTICA; GRUBER SYNDROME; Dysencephalia splachnocystica. Identifiers: Orphanet 564, MedGen C0265215, MONDO:0018921.
CEP290-related disorder. Also called: CEP290-related disorders; CEP290-related condition. Identifiers: MedGen CN239314.

Allele frequency attached by ClinVar (database versions not stated): gnomAD exomes below 0.00001.
gnomAD v4.1: 1 of 1,613,144 alleles (0.000062%); highest among the groups gnomAD compares: Admixed American, 0.0017%; no homozygotes.

Submissions (2):

Labcorp Genetics (formerly Invitae), Labcorp
Classification: Likely benign for Joubert syndrome; Meckel-Gruber syndrome; Nephronophthisis. Last evaluated: 2019-05-20. Review status: criteria provided, single submitter. Criteria: Invitae Variant Classification Sherloc (09022015). Collection method: clinical testing. Allele origin: germline.

PreventionGenetics, part of Exact Sciences
Classification: Likely benign for CEP290-related condition. Last evaluated: 2023-10-17. Review status: no assertion criteria provided. Collection method: clinical testing. Allele origin: germline. Not counted in ClinVar's aggregate classification.
Comment: This variant is classified as likely benign based on ACMG/AMP sequence variant interpretation guidelines (Richards et al. 2015 PMID: 25741868, with internal and published modifications).